The following is an entry in ClinVar:

NM_005732.4(RAD50):c.505G>A (p.Gly169Arg)

Gene: RAD50 (RAD50 double strand break repair protein; plus strand). Cytogenetic location: 5q31.1.
Variant type: single nucleotide variant.
Coding change: c.505G>A on transcript NM_005732.4 (MANE Select); coding-DNA position 505, G replaced by A.
Protein change: p.Gly169Arg; replaces glycine 169 with arginine.
Molecular consequence: missense variant.
Genome position (GRCh38, 1-based): chr5:132,579,456, G>A. VCF-style: chr5-132579456-G-A. GRCh37 (hg19) VCF-style: chr5-131915148-G-A.
Other names: short protein forms G169R.
Identifiers: ClinVar variation 527355 (VCV000527355.11), dbSNP rs1554097780, ClinGen allele CA360934711.

ClinVar aggregate classification (germline): Uncertain significance. Review status: criteria provided, multiple submitters, no conflicts (2 of 4 stars). 2 submissions from 2 submitters: Uncertain significance (2). Last evaluated 2023-01-17.

Conditions:
Hereditary cancer-predisposing syndrome. Also called: Neoplastic Syndromes, Hereditary; Tumor predisposition; Hereditary Cancer Syndrome; Hereditary neoplastic syndrome. Identifiers: Orphanet 140162, MedGen C0027672, MeSH D009386, MONDO:0015356.

Allele frequency attached by ClinVar (database versions not stated): TOPMed below 0.00001.

Submissions (2):

Labcorp Genetics (formerly Invitae), Labcorp
Classification: Uncertain significance for Hereditary cancer-predisposing syndrome. Last evaluated: 2023-01-17. Review status: criteria provided, single submitter. Criteria: Invitae Variant Classification Sherloc (09022015). Collection method: clinical testing. Allele origin: germline.
Comment: This variant is not present in population databases (gnomAD no frequency). This variant has not been reported in the literature in individuals affected with RAD50-related conditions. ClinVar contains an entry for this variant (Variation ID: 527355). Advanced modeling of protein sequence and biophysical properties (such as structural, functional, and spatial information, amino acid conservation, physicochemical variation, residue mobility, and thermodynamic stability) performed at Invitae indicates that this missense variant is expected to disrupt RAD50 protein function. In summary, the available evidence is currently insufficient to determine the role of this variant in disease. Therefore, it has been classified as a Variant of Uncertain Significance. This sequence change replaces glycine, which is neutral and non-polar, with arginine, which is basic and polar, at codon 169 of the RAD50 protein (p.Gly169Arg).

Ambry Genetics
Classification: Uncertain significance for Hereditary cancer-predisposing syndrome. Last evaluated: 2015-12-09. Review status: criteria provided, single submitter. Criteria: Ambry Variant Classification Scheme 2023. Collection method: clinical testing. Allele origin: germline.
Comment: The p.G169R variant (also known as c.505G>A), located in coding exon 4 of the RAD50 gene, results from a G to A substitution at nucleotide position 505. The glycine at codon 169 is replaced by arginine, an amino acid with dissimilar properties. This variant was not reported in population based cohorts in the following databases: Database of Single Nucleotide Polymorphisms (dbSNP), NHLBI Exome Sequencing Project (ESP), and 1000 Genomes Project. In the ESP, this variant was not observed in 6503 samples (13006 alleles) with coverage at this position. To date, this alteration has been detected with an allele frequency of approximately 0.001% (greater than 120000 alleles tested) in our clinical cohort. This amino acid position is well conserved in available vertebrate species. In addition, this alteration is predicted to be tolerated by in silico analysis. Since supporting evidence is limited at this time, the clinical significance of p.G169R remains unclear.